The following is an entry in ClinVar:

ClinVar aggregate classification (germline): Likely benign (1 of 4 stars; one submission).

Submission:

GeneDx
Classification: Likely benign. Last evaluated: 2016-05-12. Review status: criteria provided, single submitter. Criteria: GeneDx Variant Classification (06012015). Collection method: clinical testing. Allele origin: germline. Affected: yes.
Comment: This variant is considered likely benign or benign based on one or more of the following criteria: it is a conservative change, it occurs at a poorly conserved position in the protein, it is predicted to be benign by multiple in silico algorithms, and/or has population frequency not consistent with disease.

NM_001195248.2(APTX):c.-5+4332C>A

Gene: APTX (aprataxin; minus strand). Cytogenetic location: 9p21.1.
Variant type: single nucleotide variant.
Coding change: c.-5+4332C>A on transcript NM_001195248.2 (MANE Select); 4332 bases into the intron after 5 bases upstream of the start codon, C replaced by A.
Molecular consequence: intron variant.
Genome position (GRCh38, 1-based): chr9:32,997,235, G>T on the plus strand (C>A on the coding strand, the complement: APTX is on the minus strand). VCF-style: chr9-32997235-G-T. GRCh37 (hg19) VCF-style: chr9-32997233-G-T.
Other names: c.-4-7340C>A (NM_001369001.1, NM_001368996.1, NM_001368995.1 and 3 more transcripts); c.-263-7340C>A (NM_001369002.1, NM_001369003.1); c.-5+4332C>A (NM_001195250.2, NM_001195252.2, NM_175069.3); c.-222+4332C>A (NM_001369004.1); c.-264+4332C>A (NM_001370669.1, NM_001369006.1); c.-264+8C>A (NM_001369005.1); c.-5+8C>A (NM_175073.3, NM_001195251.2); c.-5+4281C>A (NM_001195254.2, NM_001368998.1); and 3 more.
Identifiers: ClinVar variation 385806 (VCV000385806.1), dbSNP rs1057522336, ClinGen allele CA16606514.